The following is an entry in ClinVar:

NM_013266.4(CTNNA3):c.2265+1G>C

Gene: CTNNA3 (catenin alpha 3; minus strand). Cytogenetic location: 10q21.3.
Variant type: single nucleotide variant.
Coding change: c.2265+1G>C on transcript NM_013266.4 (MANE Select); the canonical splice donor site of the intron after coding-DNA position 2265, G replaced by C.
Molecular consequence: splice donor variant.
Genome position (GRCh38, 1-based): chr10:65,988,691, C>G on the plus strand (G>C on the coding strand, the complement: CTNNA3 is on the minus strand). VCF-style: chr10-65988691-C-G. GRCh37 (hg19) VCF-style: chr10-67748449-C-G.
Other names: c.2265+1G>C (NM_001127384.3).
Identifiers: ClinVar variation 665923 (VCV000665923.7), dbSNP rs1589220613, ClinGen allele CA377089199.
Genomic context (GRCh38, chr10:65,988,691, plus strand): 5'-GTTCTAATGGCAAAGAGCAATTAGCATGAACTTTTATGATGTCCACTTGTAAGTAACTCA[C>G]CTGATTAGCAATCTGCCGAGCAAGGACATCCATCCTTGATCCTGATTCTGATATCATTTT-3'

ClinVar aggregate classification (germline): Uncertain significance (1 of 4 stars; one submission).

Conditions:
Arrhythmogenic right ventricular dysplasia 13. Also called: ARRHYTHMOGENIC RIGHT VENTRICULAR CARDIOMYOPATHY 13; Arrhythmogenic right ventricular dysplasia, familial, 13. Identifiers: MedGen C3810138, MONDO:0000908, OMIM 615616.

Submission:

Labcorp Genetics (formerly Invitae), Labcorp
Classification: Uncertain significance for Arrhythmogenic right ventricular dysplasia 13. Last evaluated: 2018-09-08. Review status: criteria provided, single submitter. Criteria: Invitae Variant Classification Sherloc (09022015). Collection method: clinical testing. Allele origin: germline.
Comment: In summary, the available evidence is currently insufficient to determine the role of this variant in disease. Therefore, it has been classified as a Variant of Uncertain Significance. The current clinical and genetic evidence is not sufficient to establish whether loss-of-function variants in CTNNA3 cause disease. Algorithms developed to predict the effect of sequence changes on RNA splicing suggest that this variant may disrupt the consensus splice site, but this prediction has not been confirmed by published transcriptional studies. This variant has not been reported in the literature in individuals with CTNNA3-related disease. This variant is not present in population databases (ExAC no frequency). This sequence change affects a donor splice site in intron 16 of the CTNNA3 gene. It is expected to disrupt RNA splicing and likely results in an absent or disrupted protein product.